The following is an entry in ClinVar:

ClinVar aggregate classification (germline): Uncertain significance (1 of 4 stars; one submission).

gnomAD v4.1: 1 of 1,611,156 alleles (0.000062%); highest among the groups gnomAD compares: Non-Finnish European, 0.000085%; no homozygotes.

Submission:

Ambry Genetics
Classification: Uncertain significance. Last evaluated: 2025-04-10. Review status: criteria provided, single submitter. Criteria: Ambry Variant Classification Scheme 2023. Collection method: clinical testing. Allele origin: germline.
Comment: The p.H305R variant (also known as c.914A>G), located in coding exon 7 of the GEN1 gene, results from an A to G substitution at nucleotide position 914. The histidine at codon 305 is replaced by arginine, an amino acid with highly similar properties. This amino acid position is conserved. In addition, this alteration is predicted to be tolerated by in silico analysis. Based on the available evidence, the clinical significance of this variant remains unclear.

NM_001130009.3(GEN1):c.914A>G (p.His305Arg)

Gene: GEN1 (GEN1 Holliday junction 5' flap endonuclease; plus strand). Cytogenetic location: 2p24.2.
Variant type: single nucleotide variant.
Coding change: c.914A>G on transcript NM_001130009.3 (MANE Select); coding-DNA position 914, A replaced by G.
Protein change: p.His305Arg; replaces histidine 305 with arginine.
Molecular consequence: missense variant.
Genome position (GRCh38, 1-based): chr2:17,772,745, A>G. VCF-style: chr2-17772745-A-G. GRCh37 (hg19) VCF-style: chr2-17954012-A-G.
Other names: c.914A>G, p.His305Arg (NM_182625.5); short protein forms H305R.
Identifiers: ClinVar variation 4029216 (VCV004029216.1).
Genomic context (GRCh38, chr2:17,772,745, plus strand): 5'-AATATTGTGAGCCACATGACTATGAATACTGCTGTCCTTGTGAGTGGCACCGTACAGAAC[A>G]TGATAGGCAACTCAGTGAAGTAGAGAACAATATTAAGAAGTAAGTTTTTTTAAAAACTCA-3'
Protein context (NP_001123481.3, residues 295-315): CCPCEWHRTE[His305Arg]DRQLSEVENN